The following is an entry in ClinVar:

NM_000071.3(CBS):c.1142A>G (p.Tyr381Cys)

Gene: CBS (cystathionine beta-synthase; minus strand). Cytogenetic location: 21q22.3.
Variant type: single nucleotide variant.
Coding change: c.1142A>G on transcript NM_000071.3 (MANE Select); coding-DNA position 1142, A replaced by G.
Protein change: p.Tyr381Cys; replaces tyrosine 381 with cysteine.
Molecular consequence: missense variant.
Genome position (GRCh38, 1-based): chr21:43,060,444, T>C on the plus strand (A>G on the coding strand, the complement: CBS is on the minus strand). VCF-style: chr21-43060444-T-C. GRCh37 (hg19) VCF-style: chr21-44480554-T-C.
Other names: c.1142A>G, p.Tyr381Cys (NM_001178008.3, NM_001178009.3, NM_001320298.2); c.827A>G, p.Tyr276Cys (NM_001321072.1); short protein forms Y381C, Y276C.
Identifiers: ClinVar variation 4824876 (VCV004824876.1).

ClinVar aggregate classification (germline): Uncertain significance (1 of 4 stars; one submission).

Conditions:
Familial thoracic aortic aneurysm and aortic dissection (TAAD). Also called: Thoracic aortic aneurysms and dissections. Identifiers: Orphanet 91387, MedGen C4707243, MONDO:0019625.

Submission:

Ambry Genetics
Classification: Uncertain significance for Familial thoracic aortic aneurysm and aortic dissection. Last evaluated: 2026-02-09. Review status: criteria provided, single submitter. Criteria: Ambry Variant Classification Scheme 2023. Collection method: clinical testing. Allele origin: germline.
Comment: The p.Y381C variant (also known as c.1142A>G), located in coding exon 10 of the CBS gene, results from an A to G substitution at nucleotide position 1142. The tyrosine at codon 381 is replaced by cysteine, an amino acid with highly dissimilar properties. This amino acid position is highly conserved in available vertebrate species. In addition, this alteration is predicted to be deleterious by in silico analysis. Based on the available evidence, the clinical significance of this variant remains unclear.